The following is an entry in ClinVar:

ClinVar aggregate classification (germline): Uncertain significance (1 of 4 stars; one submission).

Conditions:
Cardiovascular phenotype. Identifiers: MedGen CN230736.

Submission:

Ambry Genetics
Classification: Uncertain significance for Cardiovascular phenotype. Last evaluated: 2025-12-16. Review status: criteria provided, single submitter. Criteria: Ambry Variant Classification Scheme 2023. Collection method: clinical testing. Allele origin: germline.
Comment: The p.K206E variant (also known as c.616A>G), located in coding exon 6 of the ANK2 gene, results from an A to G substitution at nucleotide position 616. The lysine at codon 206 is replaced by glutamic acid, an amino acid with similar properties. This amino acid position is conserved. In addition, the in silico prediction for this alteration is inconclusive. Based on the available evidence, the clinical significance of this variant remains unclear.

NM_001148.6(ANK2):c.616A>G (p.Lys206Glu)

Gene: ANK2 (ankyrin 2; plus strand). Cytogenetic location: 4q26.
Variant type: single nucleotide variant.
Coding change: c.616A>G on transcript NM_001148.6 (MANE Select); coding-DNA position 616, A replaced by G.
Protein change: p.Lys206Glu; replaces lysine 206 with glutamic acid.
Molecular consequence: missense variant.
Genome position (GRCh38, 1-based): chr4:113,237,119, A>G. VCF-style: chr4-113237119-A-G. GRCh37 (hg19) VCF-style: chr4-114158275-A-G.
Other names: c.616A>G, p.Lys206Glu (NM_001354228.2, NM_001354232.2, NM_001354235.2 and 9 more transcripts); c.661A>G, p.Lys221Glu (NM_001354230.2, NM_001354231.2, NM_001354237.2 and 5 more transcripts); c.553A>G, p.Lys185Glu (NM_001354239.2, NM_001354243.2, NM_001354244.2 and 33 more transcripts); c.604A>G, p.Lys202Glu (NM_001354269.3, NM_001386186.2, NM_001386187.2 and 1 more transcripts); c.598A>G, p.Lys200Glu (NM_001386160.1, NM_001354261.2, NM_001386147.1); c.667A>G, p.Lys223Glu (NM_001386174.1, NM_001386175.1); short protein forms K200E, K223E, K185E, K202E, K206E, K221E.
Identifiers: ClinVar variation 4842640 (VCV004842640.1).